The following is an entry in ClinVar:

ClinVar aggregate classification (germline): Uncertain significance (1 of 4 stars; one submission).

Conditions:
Inborn genetic diseases. Identifiers: MedGen C0950123, MeSH D030342.

Submission:

Ambry Genetics
Classification: Uncertain significance for Inborn genetic diseases. Last evaluated: 2026-04-30. Review status: criteria provided, single submitter. Criteria: Ambry Variant Classification Scheme 2023. Collection method: clinical testing. Allele origin: germline.
Comment: The p.V457F variant (also known as c.1369G>T), located in coding exon 13 of the DDX41 gene, results from a G to T substitution at nucleotide position 1369. The valine at codon 457 is replaced by phenylalanine, an amino acid with highly similar properties. This amino acid position is conserved. In addition, this alteration is predicted to be deleterious by in silico analysis. Based on the available evidence, the clinical significance of this variant remains unclear.

NM_016222.4(DDX41):c.1369G>T (p.Val457Phe)

Gene: DDX41 (DEAD-box helicase 41; minus strand). Cytogenetic location: 5q35.3.
Variant type: single nucleotide variant.
Coding change: c.1369G>T on transcript NM_016222.4 (MANE Select); coding-DNA position 1369, G replaced by T.
Protein change: p.Val457Phe; replaces valine 457 with phenylalanine.
Molecular consequence: missense variant.
Genome position (GRCh38, 1-based): chr5:177,512,810, C>A on the plus strand (G>T on the coding strand, the complement: DDX41 is on the minus strand). VCF-style: chr5-177512810-C-A. GRCh37 (hg19) VCF-style: chr5-176939811-C-A.
Other names: c.991G>T, p.Val331Phe (NM_001321732.2, NM_001321830.2); short protein forms V331F, V457F.
Identifiers: ClinVar variation 4869664 (VCV004869664.1).
Genomic context (GRCh38, chr5:177,512,810, plus strand): 5'-GGTCCAAGCCAGTGCTTGCACCACCCTGACCTTTGCCCCCATGGATGGCTACGGCCTCAA[C>A]CCCCTTGAGCAGCAGGTACTCGTGGATGGCGTCCACGTCTGCCTTCTTCTCTGCAAAGAT-3'
Protein context (NP_057306.2, residues 447-467): AIHEYLLLKG[Val457Phe]EAVAIHGGKD